The following is an entry in ClinVar:

ClinVar aggregate classification (germline): Pathogenic. Review status: criteria provided, multiple submitters, no conflicts (2 of 4 stars). 2 submissions from 2 submitters: Pathogenic (2). Last evaluated 2023-06-20.

Conditions:
Hereditary breast ovarian cancer syndrome. Also called: Hereditary breast and ovarian cancer syndrome (HBOC); Hereditary breast and/or ovarian cancer syndrome; Hereditary breast and ovarian cancer; BRCA1- and BRCA2-Associated Hereditary Breast and Ovarian Cancer; Breast and ovarian cancer; Hereditary breast and ovarian cancer syndrome. Identifiers: Orphanet 145, MedGen C0677776, MeSH D061325, MONDO:0003582. Disease mechanism: loss of function.

Submissions (2):

GeneDx
Classification: Pathogenic. Last evaluated: 2023-06-20. Review status: criteria provided, single submitter. Criteria: GeneDx Variant Classification Process June 2021. Collection method: clinical testing. Allele origin: germline. Affected: yes.
Comment: Nonsense variant predicted to result in protein truncation or nonsense mediated decay in a gene for which loss of function is a known mechanism of disease; Not observed at significant frequency in large population cohorts (gnomAD); Truncating variants in this gene are considered pathogenic by a well-established clinical consortium and/or database; Has not been previously published as pathogenic or benign to our knowledge

Labcorp Genetics (formerly Invitae), Labcorp
Classification: Pathogenic for Hereditary breast ovarian cancer syndrome. Last evaluated: 2023-01-31. Review status: criteria provided, single submitter. Criteria: Invitae Variant Classification Sherloc (09022015). Collection method: clinical testing. Allele origin: germline.
Comment: For these reasons, this variant has been classified as Pathogenic. This sequence change creates a premature translational stop signal (p.Ser2887*) in the BRCA2 gene. It is expected to result in an absent or disrupted protein product. Loss-of-function variants in BRCA2 are known to be pathogenic (PMID: 20104584). This variant is not present in population databases (gnomAD no frequency). This variant has not been reported in the literature in individuals affected with BRCA2-related conditions.

Literature cited by the submitters: PubMed 20104584 (cited by Labcorp Genetics (formerly Invitae), Labcorp).

NM_000059.4(BRCA2):c.8660C>A (p.Ser2887Ter)

Gene: BRCA2 (BRCA2 DNA repair associated; plus strand). Cytogenetic location: 13q13.1.
Variant type: single nucleotide variant.
Coding change: c.8660C>A on transcript NM_000059.4 (MANE Select); coding-DNA position 8660, C replaced by A.
Protein change: p.Ser2887Ter; replaces serine 2887 with a stop codon.
Molecular consequence: nonsense.
Genome position (GRCh38, 1-based): chr13:32,376,697, C>A. VCF-style: chr13-32376697-C-A. GRCh37 (hg19) VCF-style: chr13-32950834-C-A.
Other names: c.8564C>A, p.Ser2855Ter (NM_001406719.1); c.8660C>A, p.Ser2887Ter (NM_001406720.1); c.3728C>A, p.Ser1243Ter (NM_001406721.1); c.2243C>A, p.Ser748Ter (NM_001406722.1); short protein forms S1243*, S748*, S2855*, S2887*.
Identifiers: ClinVar variation 2121741 (VCV002121741.5), dbSNP rs2072874696, ClinGen allele CA387754716.